The following is an entry in ClinVar:

NM_199420.4(POLQ):c.1561A>G (p.Arg521Gly)

Gene: POLQ (DNA polymerase theta; minus strand). Cytogenetic location: 3q13.33.
Variant type: single nucleotide variant.
Coding change: c.1561A>G on transcript NM_199420.4 (MANE Select); coding-DNA position 1561, A replaced by G.
Protein change: p.Arg521Gly; replaces arginine 521 with glycine.
Molecular consequence: missense variant.
Genome position (GRCh38, 1-based): chr3:121,511,937, T>C on the plus strand (A>G on the coding strand, the complement: POLQ is on the minus strand). VCF-style: chr3-121511937-T-C. GRCh37 (hg19) VCF-style: chr3-121230784-T-C.
Other names: short protein forms R521G.
Identifiers: ClinVar variation 3422625 (VCV003422625.1).
Genomic context (GRCh38, chr3:121,511,937, plus strand): 5'-TCTCTCTTACCTCCAGAATAGCTCGTATCATGCTGCCAGTTACTTCTTCTCCTTCTCGTC[T>C]TTGCAGACAGCTGCGAACAGGCTTTAGAGAACCCTGAAGGAGAGCTATGCCTTTTGATTT-3'
Protein context (NP_955452.3, residues 511-531): SLKPVRSCLQ[Arg521Gly]REGEEVTGSM

ClinVar aggregate classification (germline): Uncertain significance (1 of 4 stars; one submission).

Submission:

Ambry Genetics
Classification: Uncertain significance. Last evaluated: 2024-10-28. Review status: criteria provided, single submitter. Criteria: Ambry Variant Classification Scheme 2023. Collection method: clinical testing. Allele origin: germline.
Comment: The p.R521G variant (also known as c.1561A>G), located in coding exon 10 of the POLQ gene, results from an A to G substitution at nucleotide position 1561. The arginine at codon 521 is replaced by glycine, an amino acid with dissimilar properties. This amino acid position is conserved. In addition, this alteration is predicted to be tolerated by in silico analysis. Based on the available evidence, the clinical significance of this variant remains unclear.